The following is an entry in ClinVar:

ClinVar aggregate classification (germline): Conflicting classifications of pathogenicity. Review status: criteria provided, conflicting classifications (1 of 4 stars). 3 submissions from 3 submitters: Uncertain significance (2); Likely benign (1). Last evaluated 2025-12-29.

Conditions:
Familial adenomatous polyposis 2. Also called: MUTYH-associated polyposis; Adenomas, multiple colorectal; COLORECTAL ADENOMATOUS POLYPOSIS, AUTOSOMAL RECESSIVE; ADENOMAS, MULTIPLE COLORECTAL, AUTOSOMAL RECESSIVE; MUTYH-related attenuated familial adenomatous polyposis; MYH-associated polyposis. Identifiers: Orphanet 220460, Orphanet 247798, MedGen C3272841, MONDO:0012041, OMIM 608456.
Hereditary cancer-predisposing syndrome. Also called: Hereditary Cancer Syndrome; Hereditary neoplastic syndrome; Neoplastic Syndromes, Hereditary; Tumor predisposition. Identifiers: Orphanet 140162, MedGen C0027672, MeSH D009386, MONDO:0015356.

Allele frequency attached by ClinVar (database versions not stated): gnomAD exomes below 0.00001; gnomAD 0.00001.

Submissions (3):

Center for Genomic Medicine, Rigshospitalet, Copenhagen University Hospital
Classification: Uncertain significance. Last evaluated: 2025-12-29. Review status: criteria provided, single submitter. Criteria: ACMG Guidelines, 2015. Collection method: clinical testing. Allele origin: germline.

Ambry Genetics
Classification: Likely benign for Hereditary cancer-predisposing syndrome. Last evaluated: 2025-08-19. Review status: criteria provided, single submitter. Criteria: Ambry Variant Classification Scheme 2023. Collection method: clinical testing. Allele origin: germline.

Labcorp Genetics (formerly Invitae), Labcorp
Classification: Uncertain significance for Familial adenomatous polyposis 2. Last evaluated: 2024-12-20. Review status: criteria provided, single submitter. Criteria: Invitae Variant Classification Sherloc (09022015). Collection method: clinical testing. Allele origin: germline.
Comment: This sequence change replaces proline, which is neutral and non-polar, with leucine, which is neutral and non-polar, at codon 432 of the MUTYH protein (p.Pro432Leu). This variant is present in population databases (no rsID available, gnomAD 0.007%). This variant has not been reported in the literature in individuals affected with MUTYH-related conditions. ClinVar contains an entry for this variant (Variation ID: 2740970). An algorithm developed to predict the effect of missense changes on protein structure and function (PolyPhen-2) suggests that this variant is likely to be disruptive. In summary, the available evidence is currently insufficient to determine the role of this variant in disease. Therefore, it has been classified as a Variant of Uncertain Significance.

NM_001048174.2(MUTYH):c.1211C>T (p.Pro404Leu)

Gene: MUTYH (mutY DNA glycosylase; minus strand). Cytogenetic location: 1p34.1.
Variant type: single nucleotide variant.
Coding change: c.1211C>T on transcript NM_001048174.2 (MANE Select); coding-DNA position 1211, C replaced by T.
Protein change: p.Pro404Leu; replaces proline 404 with leucine.
Molecular consequence: missense variant. On other transcripts: non-coding transcript variant (7).
Genome position (GRCh38, 1-based): chr1:45,331,448, G>A on the plus strand (C>T on the coding strand, the complement: MUTYH is on the minus strand). VCF-style: chr1-45331448-G-A. GRCh37 (hg19) VCF-style: chr1-45797120-G-A.
Other names: c.1211C>T, p.Pro404Leu (NM_001048171.2, NM_001048173.2, NM_001293195.2 and 6 more transcripts); c.1214C>T, p.Pro405Leu (NM_001048172.2, NM_001407071.1, NM_001407078.1 and 1 more transcripts); c.1295C>T, p.Pro432Leu (NM_001128425.2); c.1256C>T, p.Pro419Leu (NM_001293190.2); c.1244C>T, p.Pro415Leu (NM_001293191.2, NM_001407069.1, NM_001407077.1); c.935C>T, p.Pro312Leu (NM_001293192.2, NM_001293196.2, NM_001407091.1); c.866C>T, p.Pro289Leu (NM_001350650.2, NM_001350651.2, NM_001407082.1); c.1127C>T, p.Pro376Leu (NM_001407075.1); and 5 more; short protein forms P376L, P405L, P404L, P419L, P432L, P289L, P312L, P391L.
Identifiers: ClinVar variation 2740970 (VCV002740970.6), dbSNP rs1276625381, ClinGen allele CA340132873.